The following is an entry in ClinVar:

ClinVar aggregate classification (germline): Uncertain significance. Review status: criteria provided, multiple submitters, no conflicts (2 of 4 stars). 2 submissions from 2 submitters: Uncertain significance (2). Last evaluated 2024-07-17.

Conditions:
Hereditary cancer-predisposing syndrome. Also called: Neoplastic Syndromes, Hereditary; Tumor predisposition; Hereditary neoplastic syndrome; Hereditary Cancer Syndrome. Identifiers: Orphanet 140162, MedGen C0027672, MeSH D009386, MONDO:0015356.
Hereditary breast ovarian cancer syndrome. Also called: BRCA1- and BRCA2-Associated Hereditary Breast and Ovarian Cancer; Hereditary breast and ovarian cancer; Hereditary breast and ovarian cancer syndrome (HBOC); Hereditary breast and ovarian cancer syndrome; Hereditary breast and/or ovarian cancer syndrome; Breast and ovarian cancer. Identifiers: Orphanet 145, MedGen C0677776, MeSH D061325, MONDO:0003582. Disease mechanism: loss of function.

Allele frequency attached by ClinVar (database versions not stated): gnomAD exomes below 0.00001.
gnomAD v4.1: 1 of 1,614,050 alleles (0.000062%); highest among the groups gnomAD compares: African/African-American, 0.0013%; no homozygotes.

Submissions (2):

Ambry Genetics
Classification: Uncertain significance for Hereditary cancer-predisposing syndrome. Last evaluated: 2024-07-17. Review status: criteria provided, single submitter. Criteria: Ambry Variant Classification Scheme 2023. Collection method: clinical testing. Allele origin: germline.
Comment: The p.N743D variant (also known as c.2227A>G), located in coding exon 9 of the BRCA1 gene, results from an A to G substitution at nucleotide position 2227. The asparagine at codon 743 is replaced by aspartic acid, an amino acid with highly similar properties. This amino acid position is poorly conserved in available vertebrate species. In addition, this alteration is predicted to be tolerated by in silico analysis. Based on the available evidence, the clinical significance of this variant remains unclear.

Labcorp Genetics (formerly Invitae), Labcorp
Classification: Uncertain significance for Hereditary breast ovarian cancer syndrome. Last evaluated: 2023-11-17. Review status: criteria provided, single submitter. Criteria: Invitae Variant Classification Sherloc (09022015). Collection method: clinical testing. Allele origin: germline.
Comment: This sequence change replaces asparagine, which is neutral and polar, with aspartic acid, which is acidic and polar, at codon 743 of the BRCA1 protein (p.Asn743Asp). This variant is present in population databases (no rsID available, gnomAD 0.007%). This variant has not been reported in the literature in individuals affected with BRCA1-related conditions. Advanced modeling of protein sequence and biophysical properties (such as structural, functional, and spatial information, amino acid conservation, physicochemical variation, residue mobility, and thermodynamic stability) performed at Invitae indicates that this missense variant is not expected to disrupt BRCA1 protein function with a negative predictive value of 95%. In summary, the available evidence is currently insufficient to determine the role of this variant in disease. Therefore, it has been classified as a Variant of Uncertain Significance.

NM_007294.4(BRCA1):c.2227A>G (p.Asn743Asp)

Gene: BRCA1 (BRCA1 DNA repair associated; minus strand). Cytogenetic location: 17q21.31.
Variant type: single nucleotide variant.
Coding change: c.2227A>G on transcript NM_007294.4 (MANE Select); coding-DNA position 2227, A replaced by G.
Protein change: p.Asn743Asp; replaces asparagine 743 with aspartic acid.
Molecular consequence: missense variant. On other transcripts: intron variant (137).
Genome position (GRCh38, 1-based): chr17:43,093,304, T>C on the plus strand (A>G on the coding strand, the complement: BRCA1 is on the minus strand). VCF-style: chr17-43093304-T-C. GRCh37 (hg19) VCF-style: chr17-41245321-T-C.
Other names: c.2224A>G, p.Asn742Asp (NM_001407628.1, NM_001407629.1, NM_001407635.1 and 22 more transcripts); c.2086A>G, p.Asn696Asp (NM_001407737.1, NM_001407738.1, NM_001407739.1 and 29 more transcripts); c.2083A>G, p.Asn695Asp (NM_001407740.1, NM_001407741.1, NM_001407742.1 and 20 more transcripts); c.2014A>G, p.Asn672Asp (NM_001407853.1, NM_001407894.1, NM_001407895.1 and 9 more transcripts); c.2227A>G, p.Asn743Asp (NM_001407854.1, NM_001407858.1, NM_001407859.1 and 30 more transcripts); c.2026A>G, p.Asn676Asp (NM_001407862.1); c.2104A>G, p.Asn702Asp (NM_001407863.1, NM_001407919.1, NM_001407937.1 and 19 more transcripts); c.2023A>G, p.Asn675Asp (NM_001407874.1, NM_001407875.1); and 41 more; short protein forms N673D, N701D, N702D, N716D, N654D, N655D, N696D, N743D.
Identifiers: ClinVar variation 2696704 (VCV002696704.4), dbSNP rs1212635015, ClinGen allele CA10597546.